The following is an entry in ClinVar:

NM_176824.3(BBS7):c.867C>G (p.Val289=)

Gene: BBS7 (Bardet-Biedl syndrome 7; minus strand). Cytogenetic location: 4q27.
Variant type: single nucleotide variant.
Coding change: c.867C>G on transcript NM_176824.3 (MANE Select); coding-DNA position 867, C replaced by G.
Protein change: p.Val289=; no amino-acid change (valine 289 retained).
Molecular consequence: synonymous variant.
Genome position (GRCh38, 1-based): chr4:121,848,911, G>C on the plus strand (C>G on the coding strand, the complement: BBS7 is on the minus strand). VCF-style: chr4-121848911-G-C. GRCh37 (hg19) VCF-style: chr4-122770066-G-C.
Other names: c.867C>G (NM_176824.2); c.867C>G, p.Val289= (NM_018190.4).
Identifiers: ClinVar variation 1954725 (VCV001954725.6), dbSNP rs753283401, ClinGen allele CA440922465.

ClinVar aggregate classification (germline): Likely benign. Review status: criteria provided, single submitter (1 of 4 stars). 2 submissions from 2 submitters: Likely benign (1). 1 of the submissions does not count toward it. Last evaluated 2023-06-04.

Conditions:
Bardet-Biedl syndrome (BBS). Identifiers: Orphanet 110, MedGen C0752166, MONDO:0015229.
BBS7-related disorder. Also called: BBS7-related condition.

Submissions (2):

Labcorp Genetics (formerly Invitae), Labcorp
Classification: Likely benign for Bardet-Biedl syndrome. Last evaluated: 2023-06-04. Review status: criteria provided, single submitter. Criteria: Invitae Variant Classification Sherloc (09022015). Collection method: clinical testing. Allele origin: germline.

PreventionGenetics, part of Exact Sciences
Classification: Likely benign for BBS7-related condition. Last evaluated: 2022-01-06. Review status: no assertion criteria provided. Collection method: clinical testing. Allele origin: germline. Not counted in ClinVar's aggregate classification.
Comment: This variant is classified as likely benign based on ACMG/AMP sequence variant interpretation guidelines (Richards et al. 2015 PMID: 25741868, with internal and published modifications).